The following is an entry in ClinVar:

NM_206933.4(USH2A):c.13436T>C (p.Leu4479Pro)

Gene: USH2A (usherin; minus strand). Cytogenetic location: 1q41.
Variant type: single nucleotide variant.
Coding change: c.13436T>C on transcript NM_206933.4 (MANE Select); coding-DNA position 13436, T replaced by C.
Protein change: p.Leu4479Pro; replaces leucine 4479 with proline.
Molecular consequence: missense variant.
Genome position (GRCh38, 1-based): chr1:215,674,475, A>G on the plus strand (T>C on the coding strand, the complement: USH2A is on the minus strand). VCF-style: chr1-215674475-A-G. GRCh37 (hg19) VCF-style: chr1-215847817-A-G.
Other names: short protein forms L4479P.
Identifiers: ClinVar variation 1963865 (VCV001963865.5), dbSNP rs1204728952, ClinGen allele CA344845242.

ClinVar aggregate classification (germline): Likely pathogenic (1 of 4 stars; one submission).

Allele frequency attached by ClinVar (database versions not stated): gnomAD exomes below 0.00001.
gnomAD v4.1: 1 of 1,614,020 alleles (0.000062%); highest among the groups gnomAD compares: Admixed American, 0.0017%; no homozygotes.

Submission:

Labcorp Genetics (formerly Invitae), Labcorp
Classification: Likely pathogenic. Last evaluated: 2024-02-27. Review status: criteria provided, single submitter. Criteria: Invitae Variant Classification Sherloc (09022015). Collection method: clinical testing. Allele origin: germline.
Comment: This sequence change replaces leucine, which is neutral and non-polar, with proline, which is neutral and non-polar, at codon 4479 of the USH2A protein (p.Leu4479Pro). This variant is present in population databases (no rsID available, gnomAD 0.003%). This missense change has been observed in individual(s) with retinitis pigmentosa (Invitae). In at least one individual the data is consistent with being in trans (on the opposite chromosome) from a pathogenic variant. It has also been observed to segregate with disease in related individuals. ClinVar contains an entry for this variant (Variation ID: 1963865). Advanced modeling of protein sequence and biophysical properties (such as structural, functional, and spatial information, amino acid conservation, physicochemical variation, residue mobility, and thermodynamic stability) performed at Invitae indicates that this missense variant is expected to disrupt USH2A protein function with a positive predictive value of 80%. This variant disrupts the p.Leu4479 amino acid residue in USH2A. Other variant(s) that disrupt this residue have been observed in individuals with USH2A-related conditions (PMID: 32141364), which suggests that this may be a clinically significant amino acid residue. In summary, the currently available evidence indicates that the variant is pathogenic, but additional data are needed to prove that conclusively. Therefore, this variant has been classified as Likely Pathogenic.

Literature cited by the submitters: PubMed 32141364.